The following is an entry in ClinVar:

NM_025137.4(SPG11):c.4453_4458delinsGAGGCCAGAACACTGAGGATAGGGGCCTGTTGTTTCACTGCTTCAACCAGAAGCCAGTGCCAGGAGTCTGGCTCCTCTGAGCATTGGAGCAGAATTTCAAATAAATCGGTCATCTCTTGTTTGCTTCCTTGAAGTTCCTGGGGGCACTTATTGCAGACTTGATCGCTGTCCATTTTGGAGGTGGGCACTGAGGGCAAGTTCTCAAAAGCCAGCCTTAAGTGGTCTTGAATGACTGGGCTGAAGTACTGGATAAGGGATTTCACCTAGAAGGCATATCAGATGATTAAACAGAAACCCAACTTTCAGTTTCAGCTGGAGCTGAAAATGTTAGAGAAAAGCATAGACAAAATTATGCTTTCTCACCCTGAACTAAGTCAGAGTGACTATTATGTAATTTTACAAAGCTGTA (p.Cys1485_Leu1486delinsGluAlaArgThrLeuArgIleGlyAlaCysCysPheThrAlaSerThrArgSerGlnCysGlnGluSerGlySerSerGluHisTrpSerArgIleSerAsnLysSerValIleSerCysLeuLeuProTer)

Gene: SPG11 (SPG11 vesicle trafficking associated, spatacsin; minus strand). Cytogenetic location: 15q21.1.
Variant type: Indel.
Coding change: c.4453_4458delinsGAGGCCAGAACACTGAGGATAGGGGCCTGTTGTTTCACTGCTTCAACCAGAAGCCAGTGCCAGGAGTCTGGCTCCTCTGAGCATTGGAGCAGAATTTCAAATAAATCGGTCATCTCTTGTTTGCTTCCTTGAAGTTCCTGGGGGCACTTATTGCAGACTTGATCGCTGTCCATTTTGGAGGTGGGCACTGAGGGCAAGTTCTCAAAAGCCAGCCTTAAGTGGTCTTGAATGACTGGGCTGAAGTACTGGATAAGGGATTTCACCTAGAAGGCATATCAGATGATTAAACAGAAACCCAACTTTCAGTTTCAGCTGGAGCTGAAAATGTTAGAGAAAAGCATAGACAAAATTATGCTTTCTCACCCTGAACTAAGTCAGAGTGACTATTATGTAATTTTACAAAGCTGTA on transcript NM_025137.4 (MANE Select); coding-DNA positions 4453 to 4458, the reference bases replaced by an inserted sequence.
Protein change: p.Cys1485_Leu1486delinsGluAlaArgThrLeuArgIleGlyAlaCysCysPheThrAlaSerThrArgSerGlnCysGlnGluSerGlySerSerGluHisTrpSerArgIleSerAsnLysSerValIleSerCysLeuLeuProTer.
Molecular consequence: nonsense. On other transcripts: frameshift variant (1).
Genome position (GRCh38, 1-based): chr15:44,595,436-44,595,441, 6 bases replaced. GRCh37 (hg19): chr15:44,887,634-44,887,639.
Other names: c.4453_4458delinsGAGGCCAGAACACTGAGGATAGGGGCCTGTTGTTTCACTGCTTCAACCAGAAGCCAGTGCCAGGAGTCTGGCTCCTCTGAGCATTGGAGCAGAATTTCAAATAAATCGGTCATCTCTTGTTTGCTTCCTTGAAGTTCCTGGGGGCACTTATTGCAGACTTGATCGCTGTCCATTTTGGAGGTGGGCACTGAGGGCAAGTTCTCAAAAGCCAGCCTTAAGTGGTCTTGAATGACTGGGCTGAAGTACTGGATAAGGGATTTCACCTAGAAGGCATATCAGATGATTAAACAGAAACCCAACTTTCAGTTTCAGCTGGAGCTGAAAATGTTAGAGAAAAGCATAGACAAAATTATGCTTTCTCACCCTGAACTAAGTCAGAGTGACTATTATGTAATTTTACAAAGCTGTA, p.Cys1485_Leu1486delinsGluAlaArgThrLeuArgIleGlyAlaCysCysPheThrAlaSerThrArgSerGlnCysGlnGluSerGlySerSerGluHisTrpSerArgIleSerAsnLysSerValIleSerCysLeuLeuProTer (NM_001160227.2); c.4453_4458delTGTCTCinsGAGGCCAGAACACTGAGGATAGGGGCCTGTTGTTTCACTGCTTCAACCAGAAGCCAGTGCCAGGAGTCTGGCTCCTCTGAGCATTGGAGCAGAATTTCAAATAAATCGGTCATCTCTTGTTTGCTTCCTTGAAGTTCCTGGGGGCACTTATTGCAGACTTGATCGCTGTCCATTTTGGAGGTGGGCACTGAGGGCAAGTTCTCAAAAGCCAGCCTTAAGTGGTCTTGAATGACTGGGCTGAAGTACTGGATAAGGGATTTCACCTAGAAGGCATATCAGATGATTAAACAGAAACCCAACTTTCAGTTTCAGCTGGAGCTGAAAATGTTAGAGAAAAGCATAGACAAAATTATGCTTTCTCACCCTGAACTAAGTCAGAGTGACTATTATGTAATTTTACAAAGCTGTA, p.Cys1485Glufs (NM_001411132.1).
Identifiers: ClinVar variation 2023095 (VCV002023095.4), dbSNP rs2505362765, ClinGen allele CA2580089668.

ClinVar aggregate classification (germline): Pathogenic (1 of 4 stars; one submission).

Conditions:
Hereditary spastic paraplegia 11. Also called: Spastic Paraplegia 11; Spastic paraplegia, mental retardation and thin corpus callosum; Nakamura Osame syndrome; Autosomal recessive hereditary spastic paraplegia, mental impairment, and thin corpus callosum; SPASTIC PARAPLEGIA, AUTOSOMAL RECESSIVE, COMPLICATED, WITH THIN CORPUS CALLOSUM; SPASTIC PARAPLEGIA, AUTOSOMAL RECESSIVE, WITH MENTAL IMPAIRMENT AND THIN CORPUS CALLOSUM. Identifiers: Orphanet 2822, MedGen C1858479, MONDO:0011445, OMIM 604360.

Submission:

Labcorp Genetics (formerly Invitae), Labcorp
Classification: Pathogenic for Hereditary spastic paraplegia 11. Last evaluated: 2024-08-11. Review status: criteria provided, single submitter. Criteria: Invitae Variant Classification Sherloc (09022015). Collection method: clinical testing. Allele origin: germline.
Comment: This sequence change creates a premature translational stop signal (p.Cys1485Glufs*44) in the SPG11 gene. It is expected to result in an absent or disrupted protein product. Loss-of-function variants in SPG11 are known to be pathogenic (PMID: 19105190, 20110243, 22154821, 26556829). This variant is not present in population databases (gnomAD no frequency). This variant has not been reported in the literature in individuals affected with SPG11-related conditions. ClinVar contains an entry for this variant (Variation ID: 2023095). For these reasons, this variant has been classified as Pathogenic.

Literature cited by the submitters: PubMed 19105190; PubMed 20110243; PubMed 22154821; PubMed 26556829.